The following is an entry in ClinVar:

ClinVar aggregate classification (germline): Uncertain significance (1 of 4 stars; one submission).

Submission:

Ambry Genetics
Classification: Uncertain significance. Last evaluated: 2025-05-23. Review status: criteria provided, single submitter. Criteria: Ambry Variant Classification Scheme 2023. Collection method: clinical testing. Allele origin: germline.
Comment: The p.A1298S variant (also known as c.3892G>T), located in coding exon 17 of the WNK2 gene, results from a G to T substitution at nucleotide position 3892. The alanine at codon 1298 is replaced by serine, an amino acid with similar properties. This amino acid position is conserved. In addition, this alteration is predicted to be tolerated by in silico analysis. Based on the available evidence, the clinical significance of this variant remains unclear.

NM_006648.4(WNK2):c.3892G>T (p.Ala1298Ser)

Gene: WNK2 (WNK lysine deficient protein kinase 2; plus strand). Cytogenetic location: 9q22.31.
Variant type: single nucleotide variant.
Coding change: c.3892G>T on transcript NM_006648.4 (MANE Select); coding-DNA position 3892, G replaced by T.
Protein change: p.Ala1298Ser; replaces alanine 1298 with serine.
Molecular consequence: missense variant.
Genome position (GRCh38, 1-based): chr9:93,268,044, G>T. VCF-style: chr9-93268044-G-T. GRCh37 (hg19) VCF-style: chr9-96030326-G-T.
Other names: c.3892G>T, p.Ala1298Ser (NM_001282394.3); short protein forms A1298S.
Identifiers: ClinVar variation 3982106 (VCV003982106.1).